The following is an entry in ClinVar:

ClinVar aggregate classification (germline): Benign/Likely benign. Review status: criteria provided, multiple submitters, no conflicts (2 of 4 stars). 3 submissions from 3 submitters: Benign (1); Likely benign (2). Last evaluated 2026-07-23.

Conditions:
Hereditary cancer-predisposing syndrome. Also called: Neoplastic Syndromes, Hereditary; Tumor predisposition; Hereditary Cancer Syndrome; Hereditary neoplastic syndrome. Identifiers: Orphanet 140162, MedGen C0027672, MeSH D009386, MONDO:0015356.
Rhabdoid tumor predisposition syndrome 2 (RTPS2). Identifiers: Orphanet 231108, Orphanet 69077, MedGen C2750074, MONDO:0013224, OMIM 613325.

Submissions (3):

Myriad Genetics, Inc.
Classification: Benign for Rhabdoid tumor predisposition syndrome 2. Last evaluated: 2026-07-23. Review status: criteria provided, single submitter. Criteria: Myriad Autosomal Dominant, Autosomal Recessive and X-Linked Classification Criteria (2023). Collection method: clinical testing. Allele origin: unknown.
Comment: This variant is considered benign. This variant is a silent/synonymous amino acid change and it is not expected to impact splicing.

Labcorp Genetics (formerly Invitae), Labcorp
Classification: Likely benign for Rhabdoid tumor predisposition syndrome 2. Last evaluated: 2023-03-31. Review status: criteria provided, single submitter. Criteria: Invitae Variant Classification Sherloc (09022015). Collection method: clinical testing. Allele origin: germline.

Ambry Genetics
Classification: Likely benign for Hereditary cancer-predisposing syndrome. Last evaluated: 2021-11-29. Review status: criteria provided, single submitter. Criteria: Ambry Variant Classification Scheme 2023. Collection method: clinical testing. Allele origin: germline.

NM_003072.5(SMARCA4):c.4632C>G (p.Ser1544=)

Gene: SMARCA4 (SWI/SNF related BAF chromatin remodeling complex subunit ATPase 4; plus strand). Cytogenetic location: 19p13.2.
Variant type: single nucleotide variant.
Coding change: c.4632C>G on transcript NM_003072.5 (MANE Select); coding-DNA position 4632, C replaced by G.
Protein change: p.Ser1544=; no amino-acid change (serine 1544 retained).
Molecular consequence: synonymous variant. On other transcripts: non-coding transcript variant (1).
Genome position (GRCh38, 1-based): chr19:11,058,886, C>G. VCF-style: chr19-11058886-C-G. GRCh37 (hg19) VCF-style: chr19-11169562-C-G.
Other names: c.4632C>G, p.Ser1544= (NM_001128844.3); c.4542C>G, p.Ser1514= (NM_001128845.2); c.4539C>G, p.Ser1513= (NM_001128846.2); c.4533C>G, p.Ser1511= (NM_001128847.4, NM_001374457.1); c.4530C>G, p.Ser1510= (NM_001128848.2); c.4728C>G, p.Ser1576= (NM_001128849.3, NM_001387283.1).
Identifiers: ClinVar variation 1555466 (VCV001555466.11), dbSNP rs2147099211, ClinGen allele CA505495000.